The following is an entry in ClinVar:

NM_181303.2(NLGN3):c.1632C>A (p.Cys544Ter)

Gene: NLGN3 (neuroligin 3; plus strand). Cytogenetic location: Xq13.1.
Variant type: single nucleotide variant.
Coding change: c.1632C>A on transcript NM_181303.2 (MANE Select); coding-DNA position 1632, C replaced by A.
Protein change: p.Cys544Ter; replaces cysteine 544 with a stop codon.
Molecular consequence: nonsense.
Genome position (GRCh38, 1-based): chrX:71,167,729, C>A. VCF-style: chrX-71167729-C-A. GRCh37 (hg19) VCF-style: chrX-70387579-C-A.
Other names: c.1512C>A, p.Cys504Ter (NM_001166660.2); c.1221C>A, p.Cys407Ter (NM_001321276.2); c.1572C>A, p.Cys524Ter (NM_018977.4); short protein forms C407*, C504*, C524*, C544*.
Identifiers: ClinVar variation 3252524 (VCV003252524.1), dbSNP rs2519768665.

ClinVar aggregate classification (germline): Uncertain significance (1 of 4 stars; one submission).

Submission:

GeneDx
Classification: Uncertain significance. Last evaluated: 2023-12-08. Review status: criteria provided, single submitter. Criteria: GeneDx Variant Classification Process June 2021. Collection method: clinical testing. Allele origin: germline. Affected: yes.
Comment: Not observed at significant frequency in large population cohorts (gnomAD); Nonsense variant predicted to result in protein truncation or nonsense mediated decay in a gene or region of a gene for which loss of function is not a well-established mechanism of disease; Has not been previously published as pathogenic or benign to our knowledge